The following is an entry in ClinVar:

NM_007294.4(BRCA1):c.4944A>G (p.Lys1648=)

Gene: BRCA1 (BRCA1 DNA repair associated; minus strand). Cytogenetic location: 17q21.31.
Variant type: single nucleotide variant.
Coding change: c.4944A>G on transcript NM_007294.4 (MANE Select); coding-DNA position 4944, A replaced by G.
Protein change: p.Lys1648=; no amino-acid change (lysine 1648 retained).
Molecular consequence: synonymous variant. On other transcripts: intron variant (1).
Genome position (GRCh38, 1-based): chr17:43,070,970, T>C on the plus strand (A>G on the coding strand, the complement: BRCA1 is on the minus strand). VCF-style: chr17-43070970-T-C. GRCh37 (hg19) VCF-style: chr17-41222987-T-C.
Other names: c.4938A>G, p.Lys1646= (NM_001407627.1, NM_001407628.1, NM_001407629.1 and 14 more transcripts); c.4935A>G, p.Lys1645= (NM_001407644.1, NM_001407645.1); c.4932A>G, p.Lys1644= (NM_001407646.1); c.4929A>G, p.Lys1643= (NM_001407647.1); c.4887A>G, p.Lys1629= (NM_001407648.1); c.4884A>G, p.Lys1628= (NM_001407649.1); c.4944A>G, p.Lys1648= (NM_001407652.1, NM_001407684.1, NM_001407854.1 and 8 more transcripts); c.4866A>G, p.Lys1622= (NM_001407653.1, NM_001407654.1, NM_001407655.1); and 71 more.
Identifiers: ClinVar variation 868437 (VCV000868437.3), dbSNP rs2052368958, ClinGen allele CA500231597.

Conditions:
Breast-ovarian cancer, familial, susceptibility to, 1 (BROVCA1). Also called: BRCA1 Hereditary Breast and Ovarian Cancer; OVARIAN CANCER, SUSCEPTIBILITY TO. Identifiers: Orphanet 145, MedGen C2676676, MONDO:0011450, OMIM 604370. Disease mechanism: loss of function.

Submission:

Brotman Baty Institute, University of Washington
No classification provided (evidence only). Condition: Breast-ovarian cancer, familial 1. Review status: no classification provided. Collection method: in vitro. Allele origin: not applicable. Functional consequence: functionally_normal.
ClinVar note: "not provided" was previously submitted as the classification for the variant. However, the classification appeared to be based only on an observation of functional data so it was converted to no classification on 2025-07-30.